The following is an entry in ClinVar:

NM_018026.4(PACS1):c.1820T>C (p.Leu607Pro)

Gene: PACS1 (phosphofurin acidic cluster sorting protein 1; plus strand). Cytogenetic location: 11q13.2.
Variant type: single nucleotide variant.
Coding change: c.1820T>C on transcript NM_018026.4 (MANE Select); coding-DNA position 1820, T replaced by C.
Protein change: p.Leu607Pro; replaces leucine 607 with proline.
Molecular consequence: missense variant.
Genome position (GRCh38, 1-based): chr11:66,233,048, T>C. VCF-style: chr11-66233048-T-C. GRCh37 (hg19) VCF-style: chr11-66000519-T-C.
Other names: short protein forms L607P.
Identifiers: ClinVar variation 1302628 (VCV001302628.2), dbSNP rs2134739373, ClinGen allele CA381370660.

ClinVar aggregate classification (germline): Uncertain significance (1 of 4 stars; one submission).

Submission:

GeneDx
Classification: Uncertain significance. Last evaluated: 2018-12-31. Review status: criteria provided, single submitter. Criteria: GeneDx Variant Classification Process June 2021. Collection method: clinical testing. Allele origin: germline. Affected: yes.
Comment: Not observed in large population cohorts (Lek et al., 2016); In silico analysis, which includes protein predictors and evolutionary conservation, supports a deleterious effect; Has not been previously published as pathogenic or benign to our knowledge